The following is an entry in ClinVar:

NM_000152.5(GAA):c.2190-53C>G

Gene: GAA (alpha glucosidase; plus strand). Cytogenetic location: 17q25.3.
Variant type: single nucleotide variant.
Coding change: c.2190-53C>G on transcript NM_000152.5 (MANE Select); 53 bases into the intron before coding-DNA position 2190, C replaced by G.
Molecular consequence: intron variant.
Genome position (GRCh38, 1-based): chr17:80,116,915, C>G. VCF-style: chr17-80116915-C-G. GRCh37 (hg19) VCF-style: chr17-78090714-C-G.
Other names: c.2190-53C>G (NM_001079803.3, NM_001079804.3).
Identifiers: ClinVar variation 1218478 (VCV001218478.5), dbSNP rs190988996, ClinGen allele CA294856351.

ClinVar aggregate classification (germline): Likely benign. Review status: criteria provided, multiple submitters, no conflicts (2 of 4 stars). 3 submissions from 3 submitters: Likely benign (3). Last evaluated 2026-07-01.

Conditions:
Glycogen storage disease, type II (IOPD). Also called: CARDIOMEGALIA GLYCOGENICA DIFFUSA; GLYCOGENOSIS, GENERALIZED, CARDIAC FORM; GSD II; Glycogen storage disease type 2; Acid maltase deficiency disease; Aglucosidase alfa. Identifiers: Orphanet 365, MedGen C0017921, MONDO:0009290, OMIM 232300.

Allele frequency attached by ClinVar (database versions not stated): TOPMed 0.00235; gnomAD 0.00317 and 0.00342; 1000 Genomes Project 0.00339; 1000 Genomes Project 30x 0.00390.

Submissions (3):

Genomenon, Inc
Classification: Likely benign for Glycogen storage disease, type II. Last evaluated: 2026-07-01. Review status: criteria provided, single submitter. Criteria: Genomenon Sequence Variant Interpretation Standards - Updated. Collection method: curation. Allele origin: germline. Affected: no.
Comment: GAA c.2190-53C>G is an intronic variant located in intron 15. This variant has been reported in the published literature (PMID:18425781). This variant is not predicted to impact splicing. In conclusion, we classify GAA c.2190-53C>G as a likely benign variant.

GeneDx
Classification: Likely benign. Last evaluated: 2018-08-03. Review status: criteria provided, single submitter. Criteria: GeneDx Variant Classification Process June 2021. Collection method: clinical testing. Allele origin: germline. Affected: yes.

Breakthrough Genomics
Classification: Likely benign. Review status: criteria provided, single submitter. Criteria: ACMG Guidelines, 2015. Collection method: not provided. Allele origin: germline. Inheritance: Autosomal recessive inheritance. Affected: yes.

Literature cited by the submitters: PubMed 18425781 (cited by Genomenon, Inc).